The following is an entry in ClinVar:

NM_000843.4(GRM6):c.1524C>T (p.Gly508=)

Genes: GRM6 (glutamate metabotropic receptor 6; minus strand), ZNF454 (zinc finger protein 454; plus strand). Cytogenetic location: 5q35.3.
Variant type: single nucleotide variant.
Coding change: c.1524C>T on transcript NM_000843.4 (MANE Select); coding-DNA position 1524, C replaced by T.
Protein change: p.Gly508=; no amino-acid change (glycine 508 retained).
Molecular consequence: synonymous variant.
Genome position (GRCh38, 1-based): chr5:178,986,730, G>A on the plus strand (C>T on the coding strand, the complement: GRM6 is on the minus strand). VCF-style: chr5-178986730-G-A. GRCh37 (hg19) VCF-style: chr5-178413731-G-A.
Other names: c.1524C>T (NM_000843.3).
Identifiers: ClinVar variation 1135022 (VCV001135022.12), dbSNP rs150342590, ClinGen allele CA3594011.

ClinVar aggregate classification (germline): Likely benign. Review status: criteria provided, multiple submitters, no conflicts (2 of 4 stars). 3 submissions from 3 submitters: Likely benign (2). 1 of the submissions does not count toward it. Last evaluated 2026-01-18.

Conditions:
GRM6-related disorder. Also called: GRM6-related condition.

Allele frequency attached by ClinVar (database versions not stated): 1000 Genomes Project 30x 0.00016; 1000 Genomes Project 0.00020; ESP Exome Variant Server 0.00031; gnomAD 0.00046 and 0.00047; TOPMed 0.00046; ExAC 0.00049; gnomAD exomes 0.00055.
gnomAD v4.1: 962 of 1,605,474 alleles (0.06%); highest among the groups gnomAD compares: Middle Eastern, 0.082%; 2 homozygotes.

Submissions (3):

Labcorp Genetics (formerly Invitae), Labcorp
Classification: Likely benign. Last evaluated: 2026-01-18. Review status: criteria provided, single submitter. Criteria: Invitae Variant Classification Sherloc (09022015). Collection method: clinical testing. Allele origin: germline.

Blueprint Genetics
Classification: Likely benign. Last evaluated: 2024-10-08. Review status: criteria provided, single submitter. Criteria: ACMG Guidelines, 2015. Collection method: clinical testing. Allele origin: germline.

PreventionGenetics, part of Exact Sciences
Classification: Likely benign for GRM6-related condition. Last evaluated: 2019-12-19. Review status: no assertion criteria provided. Collection method: clinical testing. Allele origin: germline. Not counted in ClinVar's aggregate classification.
Comment: This variant is classified as likely benign based on ACMG/AMP sequence variant interpretation guidelines (Richards et al. 2015 PMID: 25741868, with internal and published modifications).